The following is an entry in ClinVar:

NM_004369.4(COL6A3):c.8670_8690del (p.2878TTTKPVT[2])

Gene: COL6A3 (collagen type VI alpha 3 chain; minus strand). Cytogenetic location: 2q37.3.
Variant type: Deletion.
Coding change: c.8670_8690del on transcript NM_004369.4 (MANE Select); coding-DNA positions 8670 to 8690, 21 bases deleted (AACCACCACAACAAAGCCTGT).
Protein change: p.2878TTTKPVT[2].
Molecular consequence: inframe deletion.
Genome position (GRCh38, 1-based): chr2:237,336,410-237,336,430, ACAGGCTTTGTTGTGGTGGTT deleted on the plus strand (AACCACCACAACAAAGCCTGT on the coding strand, the reverse complement: COL6A3 is on the minus strand); deleting any 21 consecutive bases within chr2:237,336,410-237,336,450 gives the same sequence; the c. name uses the placement nearest the transcript's 3' end. VCF-style (leftmost placement, unchanged base first): chr2-237336409-CACAGGCTTTGTTGTGGTGGTT-C. GRCh37 (hg19) VCF-style: chr2-238245052-CACAGGCTTTGTTGTGGTGGTT-C.
Other names: c.8670_8690del (NM_004369.3); c.6849_6869del, p.2271TTTKPVT[2] (NM_057166.5); c.8052_8072del, p.2672TTTKPVT[2] (NM_057167.4); c.8670_8690del21 (NM_004369.3).
Identifiers: ClinVar variation 719759 (VCV000719759.15), dbSNP rs746284792, ClinGen allele CA2187464.
Genomic context (GRCh38, chr2:237,336,409, plus strand): 5'-AGGTTTCGCAGGGGCCGGCTTTGCAGCGGCTGGCTTCACAGATGGCTGATTTATAATAGT[CACAGGCTTTGTTGTGGTGGTT>C]ACAGGCTTTGTTGTGGTGGTCACCGGCTTCGTCGTAGTCACCGGCTTCGTTGTCGTCACT-3'

ClinVar aggregate classification (germline): Benign/Likely benign. Review status: criteria provided, multiple submitters, no conflicts (2 of 4 stars). 3 submissions from 3 submitters: Benign (1); Likely benign (1). 1 of the submissions does not count toward it. Last evaluated 2025-10-29.

Conditions:
Bethlem myopathy 1A. Also called: MYOPATHY, BENIGN CONGENITAL, WITH CONTRACTURES; Bethlem Muscular Dystrophy; Bethlem myopathy 1. Identifiers: Orphanet 610, MedGen CN029274, MONDO:0024530, OMIM 158810.
COL6A3-related disorder. Also called: COL6A3-related disorders; COL6A3-related condition.

Submissions (3):

Labcorp Genetics (formerly Invitae), Labcorp
Classification: Benign for Bethlem myopathy 1A. Last evaluated: 2025-10-29. Review status: criteria provided, single submitter. Criteria: Invitae Variant Classification Sherloc (09022015). Collection method: clinical testing. Allele origin: germline.

GeneDx
Classification: Likely benign. Last evaluated: 2021-03-16. Review status: criteria provided, single submitter. Criteria: GeneDx Variant Classification Process June 2021. Collection method: clinical testing. Allele origin: germline. Affected: yes.
Comment: In silico analysis, which includes protein predictors and evolutionary conservation, supports that this variant does not alter protein structure/function; This variant is associated with the following publications: (PMID: 28688748, 30564623)

PreventionGenetics, part of Exact Sciences
Classification: Likely benign for COL6A3-related condition. Last evaluated: 2020-12-08. Review status: no assertion criteria provided. Collection method: clinical testing. Allele origin: germline. Not counted in ClinVar's aggregate classification.
Comment: This variant is classified as likely benign based on ACMG/AMP sequence variant interpretation guidelines (Richards et al. 2015 PMID: 25741868, with internal and published modifications).